The following is an entry in ClinVar:

NM_032776.3(JMJD1C):c.3904A>G (p.Met1302Val)

Gene: JMJD1C (jumonji domain containing 1C; minus strand). Cytogenetic location: 10q21.3.
Variant type: single nucleotide variant.
Coding change: c.3904A>G on transcript NM_032776.3 (MANE Select); coding-DNA position 3904, A replaced by G.
Protein change: p.Met1302Val; replaces methionine 1302 with valine.
Molecular consequence: missense variant. On other transcripts: non-coding transcript variant (1).
Genome position (GRCh38, 1-based): chr10:63,207,765, T>C on the plus strand (A>G on the coding strand, the complement: JMJD1C is on the minus strand). VCF-style: chr10-63207765-T-C. GRCh37 (hg19) VCF-style: chr10-64967525-T-C.
Other names: c.3358A>G, p.Met1120Val (NM_001282948.2, NM_001318154.2); c.3040A>G, p.Met1014Val (NM_001318153.2); c.3790A>G, p.Met1264Val (NM_001322252.2); c.3247A>G, p.Met1083Val (NM_001322254.2, NM_001322258.2); short protein forms M1014V, M1083V, M1120V, M1264V, M1302V.
Identifiers: ClinVar variation 966390 (VCV000966390.9), dbSNP rs536604028, ClinGen allele CA208371795.

ClinVar aggregate classification (germline): Uncertain significance (1 of 4 stars; one submission).

Conditions:
Early Myoclonic Encephalopathy. Identifiers: MedGen C0270855.

Allele frequency attached by ClinVar (database versions not stated): gnomAD exomes below 0.00001.

Submission:

Labcorp Genetics (formerly Invitae), Labcorp
Classification: Uncertain significance for Early Myoclonic Encephalopathy. Last evaluated: 2019-11-13. Review status: criteria provided, single submitter. Criteria: Invitae Variant Classification Sherloc (09022015). Collection method: clinical testing. Allele origin: germline.
Comment: This sequence change replaces methionine with valine at codon 1302 of the JMJD1C protein (p.Met1302Val). The methionine residue is weakly conserved and there is a small physicochemical difference between methionine and valine. This variant is not present in population databases (ExAC no frequency). This variant has not been reported in the literature in individuals with JMJD1C-related conditions. Algorithms developed to predict the effect of missense changes on protein structure and function output the following: SIFT: "Tolerated"; PolyPhen-2: "Benign"; Align-GVGD: "Class C0". The valine amino acid residue is found in multiple mammalian species, suggesting that this missense change does not adversely affect protein function. These predictions have not been confirmed by published functional studies and their clinical significance is uncertain. In summary, the available evidence is currently insufficient to determine the role of this variant in disease. Therefore, it has been classified as a Variant of Uncertain Significance.